The following is an entry in ClinVar:

NM_001273.5(CHD4):c.2313G>A (p.Glu771=)

Gene: CHD4 (chromodomain helicase DNA binding protein 4; minus strand). Cytogenetic location: 12p13.31.
Variant type: single nucleotide variant.
Coding change: c.2313G>A on transcript NM_001273.5 (MANE Select); coding-DNA position 2313, G replaced by A.
Protein change: p.Glu771=; no amino-acid change (glutamic acid 771 retained).
Molecular consequence: synonymous variant.
Genome position (GRCh38, 1-based): chr12:6,594,459, C>T on the plus strand (G>A on the coding strand, the complement: CHD4 is on the minus strand). VCF-style: chr12-6594459-C-T. GRCh37 (hg19) VCF-style: chr12-6703625-C-T.
Other names: c.2292G>A, p.Glu764= (NM_001297553.2); c.2274G>A, p.Glu758= (NM_001363606.2).
Identifiers: ClinVar variation 4978921 (VCV004978921.1).

ClinVar aggregate classification (germline): Likely benign (1 of 4 stars; one submission).

Conditions:
CHD4-related disorder. Also called: CHD4-related condition.

Submission:

PreventionGenetics, part of Exact Sciences
Classification: Likely benign for CHD4-related condition. Last evaluated: 2024-11-15. Review status: criteria provided, single submitter. Criteria: ACMG Guidelines, 2015. Collection method: clinical testing. Allele origin: germline.
Comment: This variant is classified as likely benign based on ACMG/AMP sequence variant interpretation guidelines (Richards et al. 2015 PMID: 25741868, with internal and published modifications).